The following is an entry in ClinVar:

NM_005477.3(HCN4):c.2929C>A (p.Gln977Lys)

Gene: HCN4 (hyperpolarization activated cyclic nucleotide gated potassium channel 4; minus strand). Cytogenetic location: 15q24.1.
Variant type: single nucleotide variant.
Coding change: c.2929C>A on transcript NM_005477.3 (MANE Select); coding-DNA position 2929, C replaced by A.
Protein change: p.Gln977Lys; replaces glutamine 977 with lysine.
Molecular consequence: missense variant.
Genome position (GRCh38, 1-based): chr15:73,323,164, G>T on the plus strand (C>A on the coding strand, the complement: HCN4 is on the minus strand). VCF-style: chr15-73323164-G-T. GRCh37 (hg19) VCF-style: chr15-73615505-G-T.
Other names: short protein forms Q977K.
Identifiers: ClinVar variation 1008953 (VCV001008953.10), dbSNP rs1382370606, ClinGen allele CA393086853.

ClinVar aggregate classification (germline): Uncertain significance. Review status: criteria provided, multiple submitters, no conflicts (2 of 4 stars). 2 submissions from 2 submitters: Uncertain significance (2). Last evaluated 2025-04-30.

Conditions:
Brugada syndrome 8 (BRGDA8). Identifiers: Orphanet 130, MedGen C2751083, MONDO:0013148, OMIM 613123.
Cardiovascular phenotype. Identifiers: MedGen CN230736.

Allele frequency attached by ClinVar (database versions not stated): gnomAD exomes below 0.00001; TOPMed below 0.00001.
gnomAD v4.1: 1 of 1,566,012 alleles (0.000064%); highest among the groups gnomAD compares: East Asian, 0.0023%; no homozygotes.

Submissions (2):

Labcorp Genetics (formerly Invitae), Labcorp
Classification: Uncertain significance for Brugada syndrome 8. Last evaluated: 2025-04-30. Review status: criteria provided, single submitter. Criteria: Invitae Variant Classification Sherloc (09022015). Collection method: clinical testing. Allele origin: germline.
Comment: This sequence change replaces glutamine, which is neutral and polar, with lysine, which is basic and polar, at codon 977 of the HCN4 protein (p.Gln977Lys). This variant is not present in population databases (gnomAD no frequency). This variant has not been reported in the literature in individuals affected with HCN4-related conditions. ClinVar contains an entry for this variant (Variation ID: 1008953). Invitae Evidence Modeling of protein sequence and biophysical properties (such as structural, functional, and spatial information, amino acid conservation, physicochemical variation, residue mobility, and thermodynamic stability) indicates that this missense variant is not expected to disrupt HCN4 protein function with a negative predictive value of 95%. In summary, the available evidence is currently insufficient to determine the role of this variant in disease. Therefore, it has been classified as a Variant of Uncertain Significance.

Ambry Genetics
Classification: Uncertain significance for Cardiovascular phenotype. Last evaluated: 2021-09-07. Review status: criteria provided, single submitter. Criteria: Ambry Variant Classification Scheme 2023. Collection method: clinical testing. Allele origin: germline.
Comment: The p.Q977K variant (also known as c.2929C>A), located in coding exon 8 of the HCN4 gene, results from a C to A substitution at nucleotide position 2929. The glutamine at codon 977 is replaced by lysine, an amino acid with similar properties. This amino acid position is conserved. In addition, the in silico prediction for this alteration is inconclusive. Since supporting evidence is limited at this time, the clinical significance of this alteration remains unclear.